The following is an entry in ClinVar:

ClinVar aggregate classification (germline): Uncertain significance (1 of 4 stars; one submission).

Allele frequency attached by ClinVar (database versions not stated): gnomAD exomes below 0.00001; gnomAD 0.00001; TOPMed 0.00001; ExAC 0.00005; 1000 Genomes Project 30x 0.00016; 1000 Genomes Project 0.00020.
gnomAD v4.1: 3 of 1,551,402 alleles (0.00019%); highest among the groups gnomAD compares: African/African-American, 0.0027%; no homozygotes.

Submission:

Labcorp Genetics (formerly Invitae), Labcorp
Classification: Uncertain significance. Last evaluated: 2023-05-22. Review status: criteria provided, single submitter. Criteria: Invitae Variant Classification Sherloc (09022015). Collection method: clinical testing. Allele origin: germline.
Comment: Algorithms developed to predict the effect of missense changes on protein structure and function output the following: SIFT: "Not Available"; PolyPhen-2: "Benign"; Align-GVGD: "Not Available". The alanine amino acid residue is found in multiple mammalian species, which suggests that this missense change does not adversely affect protein function. ClinVar contains an entry for this variant (Variation ID: 2182652). This variant has not been reported in the literature in individuals affected with EYS-related conditions. This variant is present in population databases (rs188331593, gnomAD 0.01%). This sequence change replaces threonine, which is neutral and polar, with alanine, which is neutral and non-polar, at codon 1379 of the EYS protein (p.Thr1379Ala). In summary, the available evidence is currently insufficient to determine the role of this variant in disease. Therefore, it has been classified as a Variant of Uncertain Significance.

NM_001142800.2(EYS):c.4135A>G (p.Thr1379Ala)

Gene: EYS (EGF-like photoreceptor maintenance factor; minus strand). Cytogenetic location: 6q12.
Variant type: single nucleotide variant.
Coding change: c.4135A>G on transcript NM_001142800.2 (MANE Select); coding-DNA position 4135, A replaced by G.
Protein change: p.Thr1379Ala; replaces threonine 1379 with alanine.
Molecular consequence: missense variant.
Genome position (GRCh38, 1-based): chr6:64,591,732, T>C on the plus strand (A>G on the coding strand, the complement: EYS is on the minus strand). VCF-style: chr6-64591732-T-C. GRCh37 (hg19) VCF-style: chr6-65301625-T-C.
Other names: c.4135A>G, p.Thr1379Ala (NM_001292009.2); short protein forms T1379A.
Identifiers: ClinVar variation 2182652 (VCV002182652.4), dbSNP rs188331593, ClinGen allele CA3877103.